The following is an entry in ClinVar:

NM_013314.4(BLNK):c.265G>A (p.Glu89Lys)

Gene: BLNK (B cell linker; minus strand). Cytogenetic location: 10q24.1.
Variant type: single nucleotide variant.
Coding change: c.265G>A on transcript NM_013314.4 (MANE Select); coding-DNA position 265, G replaced by A.
Protein change: p.Glu89Lys; replaces glutamic acid 89 with lysine.
Molecular consequence: missense variant. On other transcripts: non-coding transcript variant (4).
Genome position (GRCh38, 1-based): chr10:96,227,506, C>T on the plus strand (G>A on the coding strand, the complement: BLNK is on the minus strand). VCF-style: chr10-96227506-C-T. GRCh37 (hg19) VCF-style: chr10-97987262-C-T.
Other names: c.265G>A, p.Glu89Lys (NM_001114094.2, NM_001258440.2, NM_001258441.2 and 1 more transcripts); short protein forms E89K.
Identifiers: ClinVar variation 837542 (VCV000837542.9), dbSNP rs1006565682, ClinGen allele CA212527146.

ClinVar aggregate classification (germline): Uncertain significance (1 of 4 stars; one submission).

Conditions:
Agammaglobulinemia 4, autosomal recessive (AGM4). Also called: B cell linker protein deficiency; AGAMMAGLOBULINEMIA, AUTOSOMAL RECESSIVE, DUE TO BLNK DEFECT. Identifiers: MedGen C3150752, MONDO:0013289, OMIM 613502.

Allele frequency attached by ClinVar (database versions not stated): gnomAD exomes below 0.00001 and 0.00001; gnomAD 0.00001.
gnomAD v4.1: 10 of 1,614,110 alleles (0.00062%); highest among the groups gnomAD compares: African/African-American, 0.0013%; no homozygotes.

Submission:

Labcorp Genetics (formerly Invitae), Labcorp
Classification: Uncertain significance for Agammaglobulinemia 4, autosomal recessive. Last evaluated: 2022-02-04. Review status: criteria provided, single submitter. Criteria: Invitae Variant Classification Sherloc (09022015). Collection method: clinical testing. Allele origin: germline.
Comment: Algorithms developed to predict the effect of missense changes on protein structure and function are either unavailable or do not agree on the potential impact of this missense change (SIFT: "Deleterious"; PolyPhen-2: "Possibly Damaging"; Align-GVGD: "Class C0"). ClinVar contains an entry for this variant (Variation ID: 837542). This variant has not been reported in the literature in individuals affected with BLNK-related conditions. This variant is present in population databases (no rsID available, gnomAD 0.002%). This sequence change replaces glutamic acid, which is acidic and polar, with lysine, which is basic and polar, at codon 89 of the BLNK protein (p.Glu89Lys). In summary, the available evidence is currently insufficient to determine the role of this variant in disease. Therefore, it has been classified as a Variant of Uncertain Significance.